The following is an entry in ClinVar:

ClinVar aggregate classification (germline): Uncertain significance (1 of 4 stars; one submission).

Submission:

Labcorp Genetics (formerly Invitae), Labcorp
Classification: Uncertain significance. Last evaluated: 2021-06-17. Review status: criteria provided, single submitter. Criteria: Invitae Variant Classification Sherloc (09022015). Collection method: clinical testing. Allele origin: germline.
Comment: This variant has not been reported in the literature in individuals with CDH3-related conditions. In summary, the available evidence is currently insufficient to determine the role of this variant in disease. Therefore, it has been classified as a Variant of Uncertain Significance. Algorithms developed to predict the effect of missense changes on protein structure and function are either unavailable or do not agree on the potential impact of this missense change (SIFT: "Deleterious"; PolyPhen-2: "Probably Damaging"; Align-GVGD: "Class C0"). This variant is reported as two separate entries in the ExAC population database (c.2239C>A, 59% and c.2240G>A, 0.01%). This sequence change replaces arginine with lysine at codon 747 of the CDH3 protein (p.Arg747Lys). The arginine residue is highly conserved and there is a small physicochemical difference between arginine and lysine.

NM_001793.6(CDH3):c.2239_2240delinsAA (p.Arg747Lys)

Gene: CDH3 (cadherin 3; plus strand). Cytogenetic location: 16q22.1.
Variant type: Indel.
Coding change: c.2239_2240delinsAA on transcript NM_001793.6 (MANE Select); coding-DNA positions 2239 to 2240, CG replaced by AA.
Protein change: p.Arg747Lys; replaces arginine 747 with lysine.
Molecular consequence: missense variant.
Genome position (GRCh38, 1-based): chr16:68,695,882-68,695,883, CG replaced by AA. VCF-style: chr16-68695882-CG-AA. GRCh37 (hg19) VCF-style: chr16-68729785-CG-AA.
Other names: c.2239_2240delinsAA, p.Arg747Lys (NM_001317195.3); c.2074_2075delinsAA, p.Arg692Lys (NM_001317196.2); short protein forms R692K, R747K.
Identifiers: ClinVar variation 961864 (VCV000961864.8), dbSNP rs1961708002, ClinGen allele CA1139664735.